The following is an entry in ClinVar:

ClinVar aggregate classification (germline): Uncertain significance. Review status: criteria provided, multiple submitters, no conflicts (2 of 4 stars). 3 submissions from 3 submitters: Uncertain significance (3). Last evaluated 2023-12-11.

Conditions:
Inborn genetic diseases. Identifiers: MedGen C0950123, MeSH D030342.

Allele frequency attached by ClinVar (database versions not stated): ExAC 0.00001; gnomAD 0.00001; gnomAD exomes 0.00001; TOPMed 0.00001.
gnomAD v4.1: 11 of 1,612,096 alleles (0.00068%); highest among the groups gnomAD compares: Middle Eastern, 0.016%; no homozygotes.

Submissions (3):

Labcorp Genetics (formerly Invitae), Labcorp
Classification: Uncertain significance. Last evaluated: 2023-12-11. Review status: criteria provided, single submitter. Criteria: Invitae Variant Classification Sherloc (09022015). Collection method: clinical testing. Allele origin: germline.
Comment: This sequence change replaces serine, which is neutral and polar, with phenylalanine, which is neutral and non-polar, at codon 478 of the ILDR1 protein (p.Ser478Phe). This variant is not present in population databases (gnomAD no frequency). This variant has not been reported in the literature in individuals affected with ILDR1-related conditions. ClinVar contains an entry for this variant (Variation ID: 163695). An algorithm developed to predict the effect of missense changes on protein structure and function (PolyPhen-2) suggests that this variant is likely to be disruptive. In summary, the available evidence is currently insufficient to determine the role of this variant in disease. Therefore, it has been classified as a Variant of Uncertain Significance.

Ambry Genetics
Classification: Uncertain significance for Inborn genetic diseases. Last evaluated: 2022-10-03. Review status: criteria provided, single submitter. Criteria: Ambry Variant Classification Scheme 2023. Collection method: clinical testing. Allele origin: germline.

Laboratory for Molecular Medicine, Mass General Brigham Personalized Medicine
Classification: Uncertain significance. Last evaluated: 2013-09-08. Review status: criteria provided, single submitter. Criteria: LMM Criteria. Collection method: clinical testing. Allele origin: germline. Observed: 1 variant allele.
Comment: The Ser478Phe variant in ILDR1 has not been reported in individuals with hearing loss or in large population studies. Computational analyses (biochemical amino acid properties, conservation, AlignGVGD, PolyPhen2, and SIFT) do not provide st rong support for or against an impact to the protein. In summary, additional dat a is needed to determine the clinical significance of this variant.

NM_001199799.2(ILDR1):c.1433C>T (p.Ser478Phe)

Gene: ILDR1 (immunoglobulin like domain containing receptor 1; minus strand). Cytogenetic location: 3q13.33.
Variant type: single nucleotide variant.
Coding change: c.1433C>T on transcript NM_001199799.2 (MANE Select); coding-DNA position 1433, C replaced by T.
Protein change: p.Ser478Phe; replaces serine 478 with phenylalanine.
Molecular consequence: missense variant.
Genome position (GRCh38, 1-based): chr3:121,993,316, G>A on the plus strand (C>T on the coding strand, the complement: ILDR1 is on the minus strand). VCF-style: chr3-121993316-G-A. GRCh37 (hg19) VCF-style: chr3-121712163-G-A.
Other names: c.1166C>T, p.Ser389Phe (NM_001199800.2); c.1301C>T, p.Ser434Phe (NM_175924.4); short protein forms S478F, S389F, S434F.
Identifiers: ClinVar variation 163695 (VCV000163695.9), dbSNP rs727503096, ClinGen allele CA176357.